The following is an entry in ClinVar:

ClinVar aggregate classification (germline): Uncertain significance (1 of 4 stars; one submission).

Submission:

GeneDx
Classification: Uncertain significance. Last evaluated: 2020-03-04. Review status: criteria provided, single submitter. Criteria: GeneDx Variant Classification Process June 2021. Collection method: clinical testing. Allele origin: germline. Affected: yes.
Comment: Not observed in large population cohorts (Lek et al., 2016); In silico analysis supports that this missense variant does not alter protein structure/function; Has not been previously published as pathogenic or benign to our knowledge

NM_001943.5(DSG2):c.2155G>A (p.Glu719Lys)

Genes: DSG2 (desmoglein 2; plus strand), DSG2-AS1 (DSG2 antisense RNA 1; minus strand). Cytogenetic location: 18q12.1.
Variant type: single nucleotide variant.
Coding change: c.2155G>A on transcript NM_001943.5 (MANE Select); coding-DNA position 2155, G replaced by A.
Protein change: p.Glu719Lys; replaces glutamic acid 719 with lysine.
Molecular consequence: missense variant.
Genome position (GRCh38, 1-based): chr18:31,542,673, G>A. VCF-style: chr18-31542673-G-A. GRCh37 (hg19) VCF-style: chr18-29122636-G-A.
Other names: p.E719K:GAA>AAA; c.2155G>A (LRG_397t1); short protein forms E719K.
Identifiers: ClinVar variation 199815 (VCV000199815.3), dbSNP rs794728089, ClinGen allele CA021682.
Genomic context (GRCh38, chr18:31,542,673, plus strand): 5'-AGTAGCTCTGCTTCCATTGTCAAAGGGCAACATGAGATGTCCGAGATGGATGGAAGGTGG[G>A]AAGAACACAGAAGCCTGCTTTCTGGTAGAGCTACCCAGTTTACAGGGGCCACAGGCGCTA-3'
Protein context (NP_001934.2, residues 709-729): HEMSEMDGRW[Glu719Lys]EHRSLLSGRA